The following is an entry in ClinVar:

NM_032607.3(CREB3L3):c.629G>C (p.Cys210Ser)

Gene: CREB3L3 (cAMP responsive element binding protein 3 like 3; plus strand). Cytogenetic location: 19p13.3.
Variant type: single nucleotide variant.
Coding change: c.629G>C on transcript NM_032607.3 (MANE Select); coding-DNA position 629, G replaced by C.
Protein change: p.Cys210Ser; replaces cysteine 210 with serine.
Molecular consequence: missense variant.
Genome position (GRCh38, 1-based): chr19:4,164,555, G>C. VCF-style: chr19-4164555-G-C. GRCh37 (hg19) VCF-style: chr19-4164552-G-C.
Other names: c.626G>C, p.Cys209Ser (NM_001271995.2); c.623G>C, p.Cys208Ser (NM_001271996.2); c.629G>C, p.Cys210Ser (NM_001271997.2); short protein forms C209S, C208S, C210S.
Identifiers: ClinVar variation 4739459 (VCV004739459.1).
Genomic context (GRCh38, chr19:4,164,555, plus strand): 5'-TTCCGTAGCAACAGCATCACCTGGGGGCCTCCTACCTCCTGCGACCTGGGGCTGGGCACT[G>C]TCAGGAGCTGGTGCTCACCGAGGATGAGAAGAAGCTGCTGGCTAAAGAAGGCATCACCCT-3'
Protein context (NP_115996.1, residues 200-220): SYLLRPGAGH[Cys210Ser]QELVLTEDEK

ClinVar aggregate classification (germline): Uncertain significance (1 of 4 stars; one submission).

gnomAD v4.1: 2 of 1,614,110 alleles (0.00012%); highest among the groups gnomAD compares: East Asian, 0.0045%; no homozygotes.

Submission:

Labcorp Genetics (formerly Invitae), Labcorp
Classification: Uncertain significance. Last evaluated: 2025-10-18. Review status: criteria provided, single submitter. Criteria: Invitae Variant Classification Sherloc (09022015). Collection method: clinical testing. Allele origin: germline.
Comment: This sequence change replaces cysteine, which is neutral and slightly polar, with serine, which is neutral and polar, at codon 210 of the CREB3L3 protein (p.Cys210Ser). This variant is not present in population databases (gnomAD no frequency). This variant has not been reported in the literature in individuals affected with CREB3L3-related conditions. Invitae Evidence Modeling of protein sequence and biophysical properties (such as structural, functional, and spatial information, amino acid conservation, physicochemical variation, residue mobility, and thermodynamic stability) indicates that this missense variant is not expected to disrupt CREB3L3 protein function with a negative predictive value of 80%. In summary, the available evidence is currently insufficient to determine the role of this variant in disease. Therefore, it has been classified as a Variant of Uncertain Significance.